The following is an entry in ClinVar:

ClinVar aggregate classification (germline): Uncertain significance (1 of 4 stars; one submission).

Conditions:
Neuronal ceroid lipofuscinosis. Also called: Neuronal Ceroid Lipofuscinoses. Identifiers: Orphanet 216, Orphanet 79263, MedGen C0027877, MONDO:0016295. Disease mechanism: loss of function.

Allele frequency attached by ClinVar (database versions not stated): gnomAD exomes below 0.00001.
gnomAD v4.1: 2 of 1,610,092 alleles (0.00012%); highest among the groups gnomAD compares: Admixed American, 0.0017%; no homozygotes.

Submission:

Labcorp Genetics (formerly Invitae), Labcorp
Classification: Uncertain significance for Neuronal ceroid lipofuscinosis. Last evaluated: 2023-10-13. Review status: criteria provided, single submitter. Criteria: Invitae Variant Classification Sherloc (09022015). Collection method: clinical testing. Allele origin: germline.
Comment: This sequence change falls in intron 8 of the CLN3 gene. It does not directly change the encoded amino acid sequence of the CLN3 protein. It affects a nucleotide within the consensus splice site. This variant is not present in population databases (gnomAD no frequency). This variant has not been reported in the literature in individuals affected with CLN3-related conditions. ClinVar contains an entry for this variant (Variation ID: 1449741). Variants that disrupt the consensus splice site are a relatively common cause of aberrant splicing (PMID: 17576681, 9536098). Algorithms developed to predict the effect of sequence changes on RNA splicing suggest that this variant is not likely to affect RNA splicing. In summary, the available evidence is currently insufficient to determine the role of this variant in disease. Therefore, it has been classified as a Variant of Uncertain Significance.

Literature cited by the submitters: PubMed 17576681; PubMed 9536098.

NM_001042432.2(CLN3):c.533+6C>T

Gene: CLN3 (CLN3 lysosomal/endosomal transmembrane protein, battenin; minus strand). Cytogenetic location: 16p12.1.
Variant type: single nucleotide variant.
Coding change: c.533+6C>T on transcript NM_001042432.2 (MANE Select); 6 bases into the intron after coding-DNA position 533, C replaced by T.
Molecular consequence: intron variant.
Genome position (GRCh38, 1-based): chr16:28,486,572, G>A on the plus strand (C>T on the coding strand, the complement: CLN3 is on the minus strand). VCF-style: chr16-28486572-G-A. GRCh37 (hg19) VCF-style: chr16-28497893-G-A.
Other names: c.371+6C>T (NM_001286110.2); c.533+6C>T (NM_000086.2); c.299+6C>T (NM_001286109.2); c.461+6C>T (NM_001286104.2); c.233+6C>T (NM_001286105.2).
Identifiers: ClinVar variation 1449741 (VCV001449741.4), dbSNP rs2141712792, ClinGen allele CA2573152258.